The following is an entry in ClinVar:

ClinVar aggregate classification (germline): Pathogenic/Likely pathogenic. Review status: criteria provided, multiple submitters, no conflicts (2 of 4 stars). 2 submissions from 2 submitters: Pathogenic (1); Likely pathogenic (1). Last evaluated 2025-06-10.

Conditions:
Familial dysautonomia. Also called: HSAN III; FD. Identifiers: Orphanet 1764, MedGen C0013364, MONDO:0009131, OMIM 223900. Disease mechanism: loss of function.
ELP1-Associated Medulloblastoma. Identifiers: MedGen C5670652.

Submissions (2):

Natera, Inc.
Classification: Likely pathogenic for Familial dysautonomia. Last evaluated: 2025-06-10. Review status: criteria provided, single submitter. Criteria: Natera Variant Classification Schema (03/2026). Collection method: clinical testing. Allele origin: germline.
Comment: The c.2128C>T variant in ELP1 is a nonsense variant predicted to introduce a stop codon at amino acid 710. This variant is expected to result in nonsense mediated decay, truncation, or a dysfunctional protein product. This variant is rare in the general population with a frequency below the threshold expected for the associated phenotype(s). Given the available evidence, this variant is classified as Likely Pathogenic.

Institute for Genomic Medicine (IGM) Clinical Laboratory, Nationwide Children's Hospital
Classification: Pathogenic for ELP1-Associated Medulloblastoma. Last evaluated: 2024-12-23. Review status: criteria provided, single submitter. Criteria: ACMG Guidelines, 2015. Collection method: clinical testing. Allele origin: germline.
Comment: This variant is predicted to result in loss of function through nonsense-mediated decay of the encoded transcript or premature truncation of the encoded protein in a gene in which loss of function is a known mechanism of disease (ACMG/AMP: PVS1; PMIDs:18303054, 19262150). Well-established functional studies have demonstrated this variant to have a damaging effect on protein function or splicing (ACMG/AMP: PS3; PMIDs:18303054, 19262150, 24173031). This variant is absent from or present at an exceedingly low frequency in gnomAD, a large-scale control population database (ACMG/AMP: PM2).

Literature cited by the submitters: PubMed 18303054 (cited by Institute for Genomic Medicine (IGM) Clinical Laboratory, Nationwide Children's Hospital); PubMed 19262150 (cited by Institute for Genomic Medicine (IGM) Clinical Laboratory, Nationwide Children's Hospital); PubMed 24173031 (cited by Institute for Genomic Medicine (IGM) Clinical Laboratory, Nationwide Children's Hospital).

NM_003640.5(ELP1):c.2128C>T (p.Gln710Ter)

Gene: ELP1 (elongator acetyltransferase complex subunit 1; minus strand). Cytogenetic location: 9q31.3.
Variant type: single nucleotide variant.
Coding change: c.2128C>T on transcript NM_003640.5 (MANE Select); coding-DNA position 2128, C replaced by T.
Protein change: p.Gln710Ter; replaces glutamine 710 with a stop codon.
Molecular consequence: nonsense.
Genome position (GRCh38, 1-based): chr9:108,900,262, G>A on the plus strand (C>T on the coding strand, the complement: ELP1 is on the minus strand). VCF-style: chr9-108900262-G-A. GRCh37 (hg19) VCF-style: chr9-111662542-G-A.
Other names: c.1786C>T, p.Gln596Ter (NM_001318360.2); c.2128C>T (NM_003640.4); c.1081C>T, p.Gln361Ter (NM_001330749.2); short protein forms Q361*, Q596*, Q710*.
Identifiers: ClinVar variation 4759290 (VCV004759290.2).